The following is an entry in ClinVar:

NM_181523.3(PIK3R1):c.1267A>T (p.Lys423Ter)

Gene: PIK3R1 (phosphoinositide-3-kinase regulatory subunit 1; plus strand). Cytogenetic location: 5q13.1.
Variant type: single nucleotide variant.
Coding change: c.1267A>T on transcript NM_181523.3 (MANE Select); coding-DNA position 1267, A replaced by T.
Protein change: p.Lys423Ter; replaces lysine 423 with a stop codon.
Molecular consequence: nonsense.
Genome position (GRCh38, 1-based): chr5:68,293,451, A>T. VCF-style: chr5-68293451-A-T. GRCh37 (hg19) VCF-style: chr5-67589279-A-T.
Other names: c.178A>T, p.Lys60Ter (NM_001242466.2); c.457A>T, p.Lys153Ter (NM_181504.4); c.367A>T, p.Lys123Ter (NM_181524.2); short protein forms K153*, K123*, K423*, K60*.
Identifiers: ClinVar variation 5003056 (VCV005003056.1).

ClinVar aggregate classification (germline): Likely pathogenic (1 of 4 stars; one submission).

Submission:

OLLIN Analises Genomicas, OLLIN
Classification: Likely pathogenic. Last evaluated: 2026-08-06. Review status: criteria provided, single submitter. Criteria: ACMG Guidelines 2015 PMID 25741868. Collection method: clinical testing. Allele origin: germline.
Comment: This nonsense variant, located in exon 10 (of 16), is absent from gnomAD and ClinVar and has not been identified in the literature. This variant introduces a premature stop codon, which is predicted to result in either a truncated protein or degradation of the mRNA via nonsense-mediated decay (NMD). According to the currently available evidence, this variant has been classified as likely pathogenic (PVS1, PM2_P).